The following is an entry in ClinVar:

NM_004281.4(BAG3):c.239G>T (p.Arg80Met)

Gene: BAG3 (BAG cochaperone 3; plus strand). Cytogenetic location: 10q26.11.
Variant type: single nucleotide variant.
Coding change: c.239G>T on transcript NM_004281.4 (MANE Select); coding-DNA position 239, G replaced by T.
Protein change: p.Arg80Met; replaces arginine 80 with methionine.
Molecular consequence: missense variant.
Genome position (GRCh38, 1-based): chr10:119,669,909, G>T. VCF-style: chr10-119669909-G-T. GRCh37 (hg19) VCF-style: chr10-121429421-G-T.
Other names: short protein forms R80M.
Identifiers: ClinVar variation 942918 (VCV000942918.9), dbSNP rs1847120690, ClinGen allele CA378294700.
Genomic context (GRCh38, chr10:119,669,909, plus strand): 5'-AGGAGACTCCATCCTCTGCCAATGGCCCTTCCCGGGAGGGCTCTAGGCTGCCGCCTGCTA[G>T]GGAAGGCCACCCTGTGTACCCCCAGCTCCGACCAGGCTACATTCCCATTCCTGTGCTCCA-3'
Protein context (NP_004272.2, residues 70-90): SREGSRLPPA[Arg80Met]EGHPVYPQLR

ClinVar aggregate classification (germline): Uncertain significance (1 of 4 stars; one submission).

Conditions:
Myofibrillar myopathy 6. Identifiers: Orphanet 199340, MedGen C2751831, MONDO:0013061, OMIM 612954.
Dilated cardiomyopathy 1HH (CMD1HH). Identifiers: Orphanet 154, MedGen C3151293, MONDO:0013479, OMIM 613881.

Submission:

Labcorp Genetics (formerly Invitae), Labcorp
Classification: Uncertain significance for Dilated cardiomyopathy 1HH; Myofibrillar myopathy 6. Last evaluated: 2022-07-26. Review status: criteria provided, single submitter. Criteria: Invitae Variant Classification Sherloc (09022015). Collection method: clinical testing. Allele origin: germline.
Comment: In summary, the available evidence is currently insufficient to determine the role of this variant in disease. Therefore, it has been classified as a Variant of Uncertain Significance. Algorithms developed to predict the effect of missense changes on protein structure and function (SIFT, PolyPhen-2, Align-GVGD) all suggest that this variant is likely to be disruptive. ClinVar contains an entry for this variant (Variation ID: 942918). This variant has not been reported in the literature in individuals affected with BAG3-related conditions. This variant is not present in population databases (gnomAD no frequency). This sequence change replaces arginine, which is basic and polar, with methionine, which is neutral and non-polar, at codon 80 of the BAG3 protein (p.Arg80Met).